The following is an entry in ClinVar:

NM_000631.5(NCF4):c.758+60C>T

Gene: NCF4 (neutrophil cytosolic factor 4; plus strand). Cytogenetic location: 22q12.3.
Variant type: single nucleotide variant.
Coding change: c.758+60C>T on transcript NM_000631.5 (MANE Select); 60 bases into the intron after coding-DNA position 758, C replaced by T.
Molecular consequence: intron variant. On other transcripts: missense variant (1).
Genome position (GRCh38, 1-based): chr22:36,875,843, C>T. VCF-style: chr22-36875843-C-T. GRCh37 (hg19) VCF-style: chr22-37271885-C-T.
Other names: c.818C>T, p.Pro273Leu (NM_013416.4); short protein forms P273L.
Identifiers: ClinVar variation 1370899 (VCV001370899.6), dbSNP rs764531129, ClinGen allele CA10213170.

ClinVar aggregate classification (germline): Uncertain significance (1 of 4 stars; one submission).

Conditions:
Granulomatous disease, chronic, autosomal recessive, cytochrome b-positive, type 3. Also called: GRANULOMATOUS DISEASE, CHRONIC, DUE TO NCF4 DEFICIENCY; Granulomatous disease, chronic, autosomal recessive, cytochrome b-positive, type III; GRANULOMATOUS DISEASE, CHRONIC, AUTOSOMAL RECESSIVE, 3; CGD, AUTOSOMAL RECESSIVE CYTOCHROME b-POSITIVE, TYPE III. Identifiers: Orphanet 379, MedGen C3151409, MONDO:0013507, OMIM 613960.

Allele frequency attached by ClinVar (database versions not stated): gnomAD exomes below 0.00001; ExAC 0.00001.

Submission:

Labcorp Genetics (formerly Invitae), Labcorp
Classification: Uncertain significance for Granulomatous disease, chronic, autosomal recessive, cytochrome b-positive, type 3. Last evaluated: 2022-06-25. Review status: criteria provided, single submitter. Criteria: Invitae Variant Classification Sherloc (09022015). Collection method: clinical testing. Allele origin: germline.
Comment: In summary, the available evidence is currently insufficient to determine the role of this variant in disease. Therefore, it has been classified as a Variant of Uncertain Significance. Algorithms developed to predict the effect of missense changes on protein structure and function are either unavailable or do not agree on the potential impact of this missense change (SIFT: "Tolerated"; PolyPhen-2: "Possibly Damaging"; Align-GVGD: "Class C0"). This variant has not been reported in the literature in individuals affected with NCF4-related conditions. This variant is present in population databases (rs764531129, gnomAD 0.0009%). This sequence change replaces proline, which is neutral and non-polar, with leucine, which is neutral and non-polar, at codon 273 of the NCF4 protein (p.Pro273Leu).